The following is an entry in ClinVar:

ClinVar aggregate classification (germline): Uncertain significance. Review status: criteria provided, multiple submitters, no conflicts (2 of 4 stars). 2 submissions from 2 submitters: Uncertain significance (2). Last evaluated 2025-11-24.

Conditions:
Hereditary cancer-predisposing syndrome. Also called: Tumor predisposition; Neoplastic Syndromes, Hereditary; Hereditary Cancer Syndrome; Hereditary neoplastic syndrome. Identifiers: Orphanet 140162, MedGen C0027672, MeSH D009386, MONDO:0015356.
Tuberous sclerosis 2 (TSC2). Identifiers: Orphanet 805, MedGen C1860707, MONDO:0013199, OMIM 613254.

Submissions (2):

Labcorp Genetics (formerly Invitae), Labcorp
Classification: Uncertain significance for Tuberous sclerosis 2. Last evaluated: 2025-11-24. Review status: criteria provided, single submitter. Criteria: Invitae Variant Classification Sherloc (09022015). Collection method: clinical testing. Allele origin: germline.
Comment: This sequence change replaces glycine, which is neutral and non-polar, with arginine, which is basic and polar, at codon 1157 of the TSC2 protein (p.Gly1157Arg). This variant is not present in population databases (gnomAD no frequency). This variant has not been reported in the literature in individuals affected with TSC2-related conditions. ClinVar contains an entry for this variant (Variation ID: 486665). Invitae Evidence Modeling of protein sequence and biophysical properties (such as structural, functional, and spatial information, amino acid conservation, physicochemical variation, residue mobility, and thermodynamic stability) indicates that this missense variant is not expected to disrupt TSC2 protein function with a negative predictive value of 95%. In summary, the available evidence is currently insufficient to determine the role of this variant in disease. Therefore, it has been classified as a Variant of Uncertain Significance.

Ambry Genetics
Classification: Uncertain significance for Hereditary cancer-predisposing syndrome. Last evaluated: 2024-11-05. Review status: criteria provided, single submitter. Criteria: Ambry Variant Classification Scheme 2023. Collection method: clinical testing. Allele origin: germline.
Comment: The p.G1157R variant (also known as c.3469G>A), located in coding exon 29 of the TSC2 gene, results from a G to A substitution at nucleotide position 3469. The glycine at codon 1157 is replaced by arginine, an amino acid with dissimilar properties. This amino acid position is highly conserved in available vertebrate species. In addition, this alteration is predicted to be deleterious by in silico analysis. Based on the available evidence, the clinical significance of this variant remains unclear.

NM_000548.5(TSC2):c.3469G>A (p.Gly1157Arg)

Gene: TSC2 (TSC complex subunit 2; plus strand). Cytogenetic location: 16p13.3.
Variant type: single nucleotide variant.
Coding change: c.3469G>A on transcript NM_000548.5 (MANE Select); coding-DNA position 3469, G replaced by A.
Protein change: p.Gly1157Arg; replaces glycine 1157 with arginine.
Molecular consequence: missense variant.
Genome position (GRCh38, 1-based): chr16:2,080,236, G>A. VCF-style: chr16-2080236-G-A. GRCh37 (hg19) VCF-style: chr16-2130237-G-A.
Other names: c.3337G>A, p.Gly1113Arg (NM_001077183.3, NM_001370404.1); c.3469G>A, p.Gly1157Arg (NM_001114382.3); c.3229G>A, p.Gly1077Arg (NM_001318827.2); c.3193G>A, p.Gly1065Arg (NM_001318829.2); c.2737G>A, p.Gly913Arg (NM_001318831.2); c.3370G>A, p.Gly1124Arg (NM_001318832.2); c.3340G>A, p.Gly1114Arg (NM_001363528.2, NM_001370405.1, NM_021055.3); short protein forms G1157R, G913R, G1065R, G1113R, G1077R, G1124R, G1114R.
Identifiers: ClinVar variation 486665 (VCV000486665.14), dbSNP rs1555511390, ClinGen allele CA394288909.